The following is an entry in ClinVar:

NM_003073.5(SMARCB1):c.1142C>G (p.Thr381Arg)

Gene: SMARCB1 (SWI/SNF related BAF chromatin remodeling complex subunit B1; plus strand). Cytogenetic location: 22q11.23.
Variant type: single nucleotide variant.
Coding change: c.1142C>G on transcript NM_003073.5 (MANE Select); coding-DNA position 1142, C replaced by G.
Protein change: p.Thr381Arg; replaces threonine 381 with arginine.
Molecular consequence: missense variant.
Genome position (GRCh38, 1-based): chr22:23,834,164, C>G. VCF-style: chr22-23834164-C-G. GRCh37 (hg19) VCF-style: chr22-24176351-C-G.
Other names: c.1115C>G, p.Thr372Arg (NM_001007468.3); c.1169C>G, p.Thr390Arg (NM_001317946.2); c.1196C>G, p.Thr399Arg (NM_001362877.2); short protein forms T381R, T372R, T399R, T390R.
Identifiers: ClinVar variation 623977 (VCV000623977.54), dbSNP rs1387467529, ClinGen allele CA410914720.

ClinVar aggregate classification (germline): Conflicting classifications of pathogenicity. Review status: criteria provided, conflicting classifications (1 of 4 stars). 3 submissions from 3 submitters: Likely pathogenic (1); Uncertain significance (2). Last evaluated 2020-09-21.

Conditions:
Hereditary cancer-predisposing syndrome. Also called: Hereditary Cancer Syndrome; Tumor predisposition; Hereditary neoplastic syndrome; Neoplastic Syndromes, Hereditary. Identifiers: Orphanet 140162, MedGen C0027672, MeSH D009386, MONDO:0015356.

Submissions (3):

Ambry Genetics
Classification: Uncertain significance for Hereditary cancer-predisposing syndrome. Last evaluated: 2020-09-21. Review status: criteria provided, single submitter. Criteria: Ambry Variant Classification Scheme 2023. Collection method: clinical testing. Allele origin: germline.
Comment: The p.T381R variant (also known as c.1142C>G), located in coding exon 9 of the SMARCB1 gene, results from a C to G substitution at nucleotide position 1142. The threonine at codon 381 is replaced by arginine, an amino acid with similar properties. This alteration has been reported in a pediatric proband diagnosed with a cribriform neuroepithelial tumor (Johann P et al. Brain Pathol. 2017 07;27(4):411-418). This amino acid position is highly conserved in available vertebrate species. In addition, this alteration is predicted to be deleterious by in silico analysis. Since supporting evidence is limited at this time, the clinical significance of this alteration remains unclear.

Labcorp Genetics (formerly Invitae), Labcorp
Classification: Uncertain significance. Last evaluated: 2020-01-09. Review status: criteria provided, single submitter. Criteria: Invitae Variant Classification Sherloc (09022015). Collection method: clinical testing. Allele origin: germline.
Comment: This sequence change replaces threonine with arginine at codon 381 of the SMARCB1 protein (p.Thr381Arg). The threonine residue is highly conserved and there is a moderate physicochemical difference between threonine and arginine. In summary, the available evidence is currently insufficient to determine the role of this variant in disease. Therefore, it has been classified as a Variant of Uncertain Significance. Algorithms developed to predict the effect of sequence changes on RNA splicing suggest that this variant may create or strengthen a splice site, but this prediction has not been confirmed by published transcriptional studies. Algorithms developed to predict the effect of missense changes on protein structure and function are either unavailable or do not agree on the potential impact of this missense change (SIFT: "Tolerated"; PolyPhen-2: "Probably Damaging"; Align-GVGD: "Class C15"). This variant has been observed in individual(s) with a rare non-rhabdoid brain tumor designated as cribriform neuroepithelial tumor (CRINET) (PMID: 27380723). ClinVar contains an entry for this variant (Variation ID: 623977). This variant is not present in population databases (ExAC no frequency).

CeGaT Center for Human Genetics Tuebingen
Classification: Likely pathogenic. Last evaluated: 2018-08-01. Review status: criteria provided, single submitter. Criteria: CeGaT Center For Human Genetics Tuebingen Variant Classification Criteria Version 2. Collection method: clinical testing. Allele origin: germline. Affected: yes. Observed: 1 variant allele.

Literature cited by the submitters: PubMed 27380723 (cited by Labcorp Genetics (formerly Invitae), Labcorp).